The following is an entry in ClinVar:

ClinVar aggregate classification (germline): Uncertain significance (1 of 4 stars; one submission).

Allele frequency attached by ClinVar (database versions not stated): TOPMed below 0.00001; gnomAD exomes 0.00001; gnomAD 0.00002.
gnomAD v4.1: 20 of 1,612,834 alleles (0.0012%); highest among the groups gnomAD compares: South Asian, 0.0066%; no homozygotes.

Submission:

Labcorp Genetics (formerly Invitae), Labcorp
Classification: Uncertain significance. Last evaluated: 2024-04-11. Review status: criteria provided, single submitter. Criteria: Invitae Variant Classification Sherloc (09022015). Collection method: clinical testing. Allele origin: germline.
Comment: This sequence change replaces valine, which is neutral and non-polar, with methionine, which is neutral and non-polar, at codon 900 of the PLXNA1 protein (p.Val900Met). This variant is present in population databases (no rsID available, gnomAD 0.003%). This variant has not been reported in the literature in individuals affected with PLXNA1-related conditions. ClinVar contains an entry for this variant (Variation ID: 1932234). Advanced modeling of protein sequence and biophysical properties (such as structural, functional, and spatial information, amino acid conservation, physicochemical variation, residue mobility, and thermodynamic stability) performed at Invitae indicates that this missense variant is expected to disrupt PLXNA1 protein function with a positive predictive value of 80%. In summary, the available evidence is currently insufficient to determine the role of this variant in disease. Therefore, it has been classified as a Variant of Uncertain Significance.

NM_032242.4(PLXNA1):c.2698G>A (p.Val900Met)

Gene: PLXNA1 (plexin A1; plus strand). Cytogenetic location: 3q21.3.
Variant type: single nucleotide variant.
Coding change: c.2698G>A on transcript NM_032242.4 (MANE Select); coding-DNA position 2698, G replaced by A.
Protein change: p.Val900Met; replaces valine 900 with methionine.
Molecular consequence: missense variant.
Genome position (GRCh38, 1-based): chr3:127,014,571, G>A. VCF-style: chr3-127014571-G-A. GRCh37 (hg19) VCF-style: chr3-126733414-G-A.
Other names: short protein forms V900M.
Identifiers: ClinVar variation 1932234 (VCV001932234.5), dbSNP rs1405134624, ClinGen allele CA354386977.